The following is an entry in ClinVar:

ClinVar aggregate classification (germline): Uncertain significance. Review status: criteria provided, multiple submitters, no conflicts (2 of 4 stars). 2 submissions from 2 submitters: Uncertain significance (2). Last evaluated 2026-03-30.

Conditions:
Cardiomyopathy (CMYO). Also called: Cardiomyopathies. Identifiers: Orphanet 167848, MedGen C0878544, MONDO:0004994, HP:0001638. Inheritance: Various modes of inheritance.
Cardiovascular phenotype. Identifiers: MedGen CN230736.

gnomAD v4.1: 3 of 1,614,050 alleles (0.00019%); highest among the groups gnomAD compares: Non-Finnish European, 0.00025%; no homozygotes.

Submissions (2):

Ambry Genetics
Classification: Uncertain significance for Cardiovascular phenotype. Last evaluated: 2026-03-30. Review status: criteria provided, single submitter. Criteria: Ambry Variant Classification Scheme 2023. Collection method: clinical testing. Allele origin: germline.
Comment: The p.T455I variant (also known as c.1364C>T), located in coding exon 10 of the DSC2 gene, results from a C to T substitution at nucleotide position 1364. The threonine at codon 455 is replaced by isoleucine, an amino acid with similar properties. This amino acid position is conserved. In addition, this alteration is predicted to be tolerated by in silico analysis. Based on the available evidence, the clinical significance of this variant remains unclear.

Color Diagnostics, LLC DBA Color Health
Classification: Uncertain significance for Cardiomyopathy. Last evaluated: 2025-02-17. Review status: criteria provided, single submitter. Criteria: ACMG Guidelines, 2015. Collection method: clinical testing. Allele origin: germline.
Comment: This missense variant replaces threonine with isoleucine at codon 455 of the DSC2 protein. Computational prediction suggests that this variant may not impact protein structure and function (internally defined REVEL score threshold <= 0.5, PMID: 27666373). To our knowledge, functional studies have not been reported for this variant. This variant has not been reported in individuals affected with DSC2-related disorders in the literature. This variant has not been identified in the general population by the Genome Aggregation Database (gnomAD). The available evidence is insufficient to determine the role of this variant in disease conclusively. Therefore, this variant is classified as a Variant of Uncertain Significance.

NM_024422.6(DSC2):c.1364C>T (p.Thr455Ile)

Gene: DSC2 (desmocollin 2; minus strand). Cytogenetic location: 18q12.1.
Variant type: single nucleotide variant.
Coding change: c.1364C>T on transcript NM_024422.6 (MANE Select); coding-DNA position 1364, C replaced by T.
Protein change: p.Thr455Ile; replaces threonine 455 with isoleucine.
Molecular consequence: missense variant.
Genome position (GRCh38, 1-based): chr18:31,080,252, G>A on the plus strand (C>T on the coding strand, the complement: DSC2 is on the minus strand). VCF-style: chr18-31080252-G-A. GRCh37 (hg19) VCF-style: chr18-28660218-G-A.
Other names: c.1364C>T (NM_024422.3); c.935C>T, p.Thr312Ile (NM_001406506.1, NM_001406507.1); c.1364C>T, p.Thr455Ile (NM_004949.5); short protein forms T312I, T455I.
Identifiers: ClinVar variation 3894412 (VCV003894412.2).